The following is an entry in ClinVar:

ClinVar aggregate classification (germline): Uncertain significance. Review status: criteria provided, multiple submitters, no conflicts (2 of 4 stars). 2 submissions from 2 submitters: Uncertain significance (2). Last evaluated 2026-03-24.

Conditions:
Inborn genetic diseases. Identifiers: MedGen C0950123, MeSH D030342.

Allele frequency attached by ClinVar (database versions not stated): gnomAD 0.00001; TOPMed 0.00001.

Submissions (2):

GeneDx
Classification: Uncertain significance. Last evaluated: 2026-03-24. Review status: criteria provided, single submitter. Criteria: GeneDx Variant Classification Process June 2021. Collection method: clinical testing. Allele origin: germline.
Comment: Not observed at significant frequency in large population cohorts (gnomAD); In silico analysis supports that this missense variant has a deleterious effect on protein structure/function; Has not been previously published as pathogenic or benign to our knowledge

Ambry Genetics
Classification: Uncertain significance for Inborn genetic diseases. Last evaluated: 2021-07-27. Review status: criteria provided, single submitter. Criteria: Ambry Variant Classification Scheme 2023. Collection method: clinical testing. Allele origin: germline.

NM_001273.5(CHD4):c.5153C>T (p.Ala1718Val)

Genes: CHD4 (chromodomain helicase DNA binding protein 4; minus strand), CHD4-AS1 (CHD4 antisense RNA 1; plus strand). Cytogenetic location: 12p13.31.
Variant type: single nucleotide variant.
Coding change: c.5153C>T on transcript NM_001273.5 (MANE Select); coding-DNA position 5153, C replaced by T.
Protein change: p.Ala1718Val; replaces alanine 1718 with valine.
Molecular consequence: missense variant.
Genome position (GRCh38, 1-based): chr12:6,578,104, G>A on the plus strand (C>T on the coding strand, the complement: CHD4 is on the minus strand). VCF-style: chr12-6578104-G-A. GRCh37 (hg19) VCF-style: chr12-6687270-G-A.
Other names: c.5132C>T, p.Ala1711Val (NM_001297553.2); c.5120C>T, p.Ala1707Val (NM_001363606.2); short protein forms A1711V, A1718V, A1707V.
Identifiers: ClinVar variation 2239662 (VCV002239662.4), dbSNP rs1365557297, ClinGen allele CA383565810.